The following is an entry in ClinVar:

NM_002878.4(RAD51D):c.845A>C (p.Glu282Ala)

Genes: RAD51L3-RFFL (RAD51L3-RFFL readthrough; minus strand), RAD51D (RAD51 paralog D; minus strand). Cytogenetic location: 17q12.
Variant type: single nucleotide variant.
Coding change: c.845A>C on transcript NM_002878.4 (MANE Select); coding-DNA position 845, A replaced by C.
Protein change: p.Glu282Ala; replaces glutamic acid 282 with alanine.
Molecular consequence: missense variant. On other transcripts: non-coding transcript variant (3).
Genome position (GRCh38, 1-based): chr17:35,101,259, T>G on the plus strand (A>C on the coding strand, the complement: RAD51D is on the minus strand). VCF-style: chr17-35101259-T-G. GRCh37 (hg19) VCF-style: chr17-33428278-T-G.
Other names: c.905A>C, p.Glu302Ala (NM_001142571.2); c.509A>C, p.Glu170Ala (NM_133629.3); short protein forms E282A, E170A, E302A.
Identifiers: ClinVar variation 4543251 (VCV004543251.1).

ClinVar aggregate classification (germline): Uncertain significance (1 of 4 stars; one submission).

Conditions:
Hereditary cancer-predisposing syndrome. Also called: Tumor predisposition; Hereditary Cancer Syndrome; Hereditary neoplastic syndrome; Neoplastic Syndromes, Hereditary. Identifiers: Orphanet 140162, MedGen C0027672, MeSH D009386, MONDO:0015356.

gnomAD v4.1: 1 of 1,614,128 alleles (0.000062%); highest among the groups gnomAD compares: Non-Finnish European, 0.000085%; no homozygotes.

Submission:

Ambry Genetics
Classification: Uncertain significance for Hereditary cancer-predisposing syndrome. Last evaluated: 2025-11-01. Review status: criteria provided, single submitter. Criteria: Ambry Variant Classification Scheme 2023. Collection method: clinical testing. Allele origin: germline.
Comment: The p.E282A variant (also known as c.845A>C), located in coding exon 9 of the RAD51D gene, results from an A to C substitution at nucleotide position 845. The glutamic acid at codon 282 is replaced by alanine, an amino acid with dissimilar properties. This amino acid position is conserved. In addition, this alteration is predicted to be tolerated by in silico analysis. Based on the available evidence, the clinical significance of this variant remains unclear.